The following is an entry in ClinVar:

NM_020433.5(JPH2):c.1756G>A (p.Glu586Lys)

Gene: JPH2 (junctophilin 2; minus strand). Cytogenetic location: 20q13.12.
Variant type: single nucleotide variant.
Coding change: c.1756G>A on transcript NM_020433.5 (MANE Select); coding-DNA position 1756, G replaced by A.
Protein change: p.Glu586Lys; replaces glutamic acid 586 with lysine.
Molecular consequence: missense variant.
Genome position (GRCh38, 1-based): chr20:44,115,919, C>T on the plus strand (G>A on the coding strand, the complement: JPH2 is on the minus strand). VCF-style: chr20-44115919-C-T. GRCh37 (hg19) VCF-style: chr20-42744559-C-T.
Other names: short protein forms E586K.
Identifiers: ClinVar variation 1779477 (VCV001779477.5), dbSNP rs1244082467, ClinGen allele CA409099989.
Genomic context (GRCh38, chr20:44,115,919, plus strand): 5'-CCTGCAGCGGGGCGGTGGCCGGGGACGAGGGCGCGGACTCGGACCCGGAGACCTCGGGCT[C>T]GGGCTGGTCCTCAAAGGGTGGGGGCTCGGGCGGCGTGGTGCGCACAGCATAGCTGTGGTA-3'
Protein context (NP_065166.2, residues 576-596): PEPPPFEDQP[Glu586Lys]PEVSGSESAP

ClinVar aggregate classification (germline): Conflicting classifications of pathogenicity. Review status: criteria provided, conflicting classifications (1 of 4 stars). 2 submissions from 2 submitters: Uncertain significance (1); Likely benign (1). Last evaluated 2025-04-09.

Conditions:
Cardiovascular phenotype. Identifiers: MedGen CN230736.

Allele frequency attached by ClinVar (database versions not stated): TOPMed 0.00001; gnomAD 0.00002; gnomAD exomes 0.00004.
gnomAD v4.1: 57 of 1,570,474 alleles (0.0036%); highest among the groups gnomAD compares: Non-Finnish European, 0.0046%; no homozygotes.

Submissions (2):

Molecular Diagnostic Laboratory for Inherited Cardiovascular Disease, Montreal Heart Institute
Classification: Uncertain significance for Cardiovascular phenotype. Last evaluated: 2025-04-09. Review status: criteria provided, single submitter. Criteria: ACMG Guidelines, 2015. Collection method: clinical testing. Allele origin: germline. Affected: yes.
Comment: PM2, BP4

Ambry Genetics
Classification: Likely benign for Cardiovascular phenotype. Last evaluated: 2024-12-19. Review status: criteria provided, single submitter. Criteria: Ambry Variant Classification Scheme 2023. Collection method: clinical testing. Allele origin: germline.